The following is an entry in ClinVar:

NM_002528.7(NTHL1):c.752del (p.Pro251fs)

Gene: NTHL1 (nth like DNA glycosylase 1; minus strand). Cytogenetic location: 16p13.3.
Variant type: Deletion.
Coding change: c.752del on transcript NM_002528.7 (MANE Select); coding-DNA position 752, one base deleted (C; older notation c.752delC).
Protein change: p.Pro251fs; shifts the reading frame from proline 251.
Molecular consequence: frameshift variant.
Genome position (GRCh38, 1-based): chr16:2,040,172, G deleted on the plus strand (C on the coding strand, the reverse complement: NTHL1 is on the minus strand); the first of 4 consecutive G bases (chr16:2,040,172-2,040,175); deleting any one gives the same sequence. VCF-style (leftmost placement, unchanged base first): chr16-2040171-TG-T. GRCh37 (hg19) VCF-style: chr16-2090172-TG-T.
Other names: c.581del, p.Pro194fs (NM_001318193.2); c.422del, p.Pro141fs (NM_001318194.2); short protein forms P251fs, P141fs, P194fs.
Identifiers: ClinVar variation 2731282 (VCV002731282.3), dbSNP rs2548311907, ClinGen allele CA2697549529.

ClinVar aggregate classification (germline): Pathogenic (1 of 4 stars; one submission).

Submission:

Labcorp Genetics (formerly Invitae), Labcorp
Classification: Pathogenic. Last evaluated: 2023-06-27. Review status: criteria provided, single submitter. Criteria: Invitae Variant Classification Sherloc (09022015). Collection method: clinical testing. Allele origin: germline.
Comment: For these reasons, this variant has been classified as Pathogenic. This variant disrupts a region of the NTHL1 protein in which other variant(s) (p.Gln287*) have been determined to be pathogenic (PMID: 27329137, 28912133, 30753826; Invitae). This suggests that this is a clinically significant region of the protein, and that variants that disrupt it are likely to be disease-causing. This sequence change results in a frameshift in the NTHL1 gene (p.Pro259Glnfs*82). While this is not anticipated to result in nonsense mediated decay, it is expected to disrupt the last 54 amino acid(s) of the NTHL1 protein and extend the protein by 27 additional amino acid residues. This variant is not present in population databases (gnomAD no frequency). This variant has not been reported in the literature in individuals affected with NTHL1-related conditions.

Literature cited by the submitters: PubMed 27329137; PubMed 28912133; PubMed 30753826.